The following is an entry in ClinVar:

ClinVar aggregate classification (germline): Likely pathogenic (1 of 4 stars; one submission).

Conditions:
Coffin-Siris syndrome 1 (CSS1). Also called: ARID1B-Related Coffin-Siris Syndrome; Mental retardation, autosomal dominant 12. Identifiers: Orphanet 1465, MedGen C3281201, MONDO:0007617, OMIM 135900. Disease mechanism: gain of function.

Submission:

3billion
Classification: Likely pathogenic for Coffin-Siris syndrome 1. Last evaluated: 2026-07-30. Review status: criteria provided, single submitter. Criteria: ACMG Guidelines, 2015. Collection method: clinical testing. Allele origin: germline. Inheritance: Autosomal dominant inheritance. Affected: yes.
Comment: The variant is not observed in the gnomAD v4.1.0 dataset. Frameshift: predicted to result in a loss or disruption of normal protein function through protein truncation. Multiple pathogenic variants are reported in the predicted truncated region. Therefore, this variant is classified as VUS according to the recommendation of ACMG/AMP guideline. Therefore, this variant is classified as Pathogenic (PVS1_VS, PM2_P) according to the recommendation of ACMG/AMP guideline.

NM_001374828.1(ARID1B):c.6942_6943del (p.Val2315fs)

Gene: ARID1B (AT-rich interaction domain 1B; plus strand). Cytogenetic location: 6q25.3.
Variant type: Deletion.
Coding change: c.6942_6943del on transcript NM_001374828.1 (MANE Select); coding-DNA positions 6942 to 6943, 2 bases deleted (CG; older notation c.6942_6943delCG).
Protein change: p.Val2315fs; shifts the reading frame from valine 2315.
Molecular consequence: frameshift variant.
Genome position (GRCh38, 1-based): chr6:157,207,714-157,207,715, CG deleted; deleting any 2 consecutive bases within chr6:157,207,713-157,207,715 gives the same sequence; the c. name uses the placement nearest the transcript's 3' end. VCF-style (leftmost placement, unchanged base first): chr6-157207712-AGC-A. GRCh37 (hg19) VCF-style: chr6-157528846-AGC-A.
Other names: c.4443_4444del, p.Val1482fs (NM_001363725.2); c.6822_6823del, p.Val2275fs (NM_001371656.1, NM_001374820.1); c.7071_7072del, p.Val2358fs (NM_001438482.1); c.6984_6985del, p.Val2329fs (NM_001438483.1); c.6852_6853del, p.Val2285fs (NM_001438485.1); c.6825_6826del, p.Val2276fs (NM_001438486.1); c.6762_6763del, p.Val2255fs (NM_001438487.1); c.4284_4285del, p.Val1429fs (NM_001438488.1); and 1 more; short protein forms V1429fs, V1482fs, V2255fs, V2262fs, V2275fs, V2276fs, V2285fs, V2315fs.
Identifiers: ClinVar variation 4854598 (VCV004854598.2).